The following is an entry in ClinVar:

ClinVar aggregate classification (germline): Uncertain significance (1 of 4 stars; one submission).

Conditions:
Cardiovascular phenotype. Identifiers: MedGen CN230736.

Allele frequency attached by ClinVar (database versions not stated): gnomAD exomes 0.00001.
gnomAD v4.1: 10 of 1,613,408 alleles (0.00062%); highest among the groups gnomAD compares: Non-Finnish European, 0.00085%; no homozygotes.

Submission:

Ambry Genetics
Classification: Uncertain significance for Cardiovascular phenotype. Last evaluated: 2023-03-05. Review status: criteria provided, single submitter. Criteria: Ambry Variant Classification Scheme 2023. Collection method: clinical testing. Allele origin: germline.
Comment: The p.T4037S variant (also known as c.12109A>T), located in coding exon 29 of the APOB gene, results from an A to T substitution at nucleotide position 12109. The threonine at codon 4037 is replaced by serine, an amino acid with similar properties. This amino acid position is conserved. In addition, this alteration is predicted to be tolerated by in silico analysis. Since supporting evidence is limited at this time, the clinical significance of this alteration remains unclear.

NM_000384.3(APOB):c.12109A>T (p.Thr4037Ser)

Gene: APOB (apolipoprotein B; minus strand). Cytogenetic location: 2p24.1.
Variant type: single nucleotide variant.
Coding change: c.12109A>T on transcript NM_000384.3 (MANE Select); coding-DNA position 12109, A replaced by T.
Protein change: p.Thr4037Ser; replaces threonine 4037 with serine.
Molecular consequence: missense variant.
Genome position (GRCh38, 1-based): chr2:21,003,313, T>A on the plus strand (A>T on the coding strand, the complement: APOB is on the minus strand). VCF-style: chr2-21003313-T-A. GRCh37 (hg19) VCF-style: chr2-21226185-T-A.
Other names: short protein forms T4037S.
Identifiers: ClinVar variation 2446982 (VCV002446982.2), dbSNP rs2465351655, ClinGen allele CA345972753.